The following is an entry in ClinVar:

NM_003172.4(SURF1):c.193G>A (p.Val65Ile)

Gene: SURF1 (SURF1 cytochrome c oxidase assembly factor; minus strand). Cytogenetic location: 9q34.2.
Variant type: single nucleotide variant.
Coding change: c.193G>A on transcript NM_003172.4 (MANE Select); coding-DNA position 193, G replaced by A.
Protein change: p.Val65Ile; replaces valine 65 with isoleucine.
Molecular consequence: missense variant. On other transcripts: 5 prime UTR variant (1).
Genome position (GRCh38, 1-based): chr9:133,354,871, C>T on the plus strand (G>A on the coding strand, the complement: SURF1 is on the minus strand). VCF-style: chr9-133354871-C-T. GRCh37 (hg19) VCF-style: chr9-136221726-C-T.
Other names: c.-135G>A (NM_001280787.1); short protein forms V65I.
Identifiers: ClinVar variation 2673202 (VCV002673202.21), dbSNP rs899048564, ClinGen allele CA200833507.
Genomic context (GRCh38, chr9:133,354,871, plus strand): 5'-TGCCGGTCTTTACCTGCCATGTCCCCAAGCCAAAGGCAGTCACAGGGATGAGGAGCAGGA[C>T]CCACTGAAGAAAGGAGTCATCTTCCGCTTTTGTGGCAGATGCTTCTGCTGCAGAACTGCC-3'
Protein context (NP_003163.1, residues 55-75): KAEDDSFLQW[Val65Ile]LLLIPVTAFG

ClinVar aggregate classification (germline): Uncertain significance (1 of 4 stars; one submission).

Allele frequency attached by ClinVar (database versions not stated): gnomAD 0.00001; TOPMed 0.00001.

Submission:

CeGaT Center for Human Genetics Tuebingen
Classification: Uncertain significance. Last evaluated: 2023-11-01. Review status: criteria provided, single submitter. Criteria: CeGaT Center For Human Genetics Tuebingen Variant Classification Criteria Version 2. Collection method: clinical testing. Allele origin: germline. Affected: yes. Observed: 1 variant allele.
Comment: SURF1: PM2, BP4